The following is an entry in ClinVar:

NM_025144.4(ALPK1):c.2326C>A (p.Pro776Thr)

Gene: ALPK1 (alpha kinase 1; plus strand). Cytogenetic location: 4q25.
Variant type: single nucleotide variant.
Coding change: c.2326C>A on transcript NM_025144.4 (MANE Select); coding-DNA position 2326, C replaced by A.
Protein change: p.Pro776Thr; replaces proline 776 with threonine.
Molecular consequence: missense variant.
Genome position (GRCh38, 1-based): chr4:112,431,873, C>A. VCF-style: chr4-112431873-C-A. GRCh37 (hg19) VCF-style: chr4-113353029-C-A.
Other names: c.2326C>A, p.Pro776Thr (NM_001102406.2); c.2092C>A, p.Pro698Thr (NM_001253884.2); short protein forms P698T, P776T.
Identifiers: ClinVar variation 1933396 (VCV001933396.5), dbSNP rs1236918255, ClinGen allele CA357899259.

ClinVar aggregate classification (germline): Uncertain significance (1 of 4 stars; one submission).

Submission:

Labcorp Genetics (formerly Invitae), Labcorp
Classification: Uncertain significance. Last evaluated: 2022-09-26. Review status: criteria provided, single submitter. Criteria: Invitae Variant Classification Sherloc (09022015). Collection method: clinical testing. Allele origin: germline.
Comment: This sequence change replaces proline, which is neutral and non-polar, with threonine, which is neutral and polar, at codon 776 of the ALPK1 protein (p.Pro776Thr). This variant is not present in population databases (gnomAD no frequency). This variant has not been reported in the literature in individuals affected with ALPK1-related conditions. Advanced modeling of protein sequence and biophysical properties (such as structural, functional, and spatial information, amino acid conservation, physicochemical variation, residue mobility, and thermodynamic stability) performed at Invitae indicates that this missense variant is not expected to disrupt ALPK1 protein function. In summary, the available evidence is currently insufficient to determine the role of this variant in disease. Therefore, it has been classified as a Variant of Uncertain Significance.